The following is an entry in ClinVar:

NM_000286.3(PEX12):c.886C>G (p.Leu296Val)

Gene: PEX12 (peroxisomal biogenesis factor 12; minus strand). Cytogenetic location: 17q12.
Variant type: single nucleotide variant.
Coding change: c.886C>G on transcript NM_000286.3 (MANE Select); coding-DNA position 886, C replaced by G.
Protein change: p.Leu296Val; replaces leucine 296 with valine.
Molecular consequence: missense variant.
Genome position (GRCh38, 1-based): chr17:35,575,976, G>C on the plus strand (C>G on the coding strand, the complement: PEX12 is on the minus strand). VCF-style: chr17-35575976-G-C. GRCh37 (hg19) VCF-style: chr17-33902995-G-C.
Other names: short protein forms L296V.
Identifiers: ClinVar variation 1926690 (VCV001926690.5), dbSNP rs761590834, ClinGen allele CA8504829.
Genomic context (GRCh38, chr17:35,575,976, plus strand): 5'-CAGTATCATTCACCCGGGTTTTACGACACAGTGGGCACACAGTCTTCATTTTGGGTAAGA[G>C]GGGAGAATCAGAGTTATAGTCTAGGTGTACAGGTGGTGGTGGAGTAGGCAGGGCAGTCAA-3'
Protein context (NP_000277.1, residues 286-306): VHLDYNSDSP[Leu296Val]LPKMKTVCPL

ClinVar aggregate classification (germline): Uncertain significance (1 of 4 stars; one submission).

Conditions:
Peroxisome biogenesis disorder 3A (Zellweger). Also called: PEROXISOMAL BIOGENESIS DISORDER 3A (ZELLWEGER); Peroxisome biogenesis disorder 3A. Identifiers: Orphanet 912, MedGen C3553929, MONDO:0013927, OMIM 614859.

Allele frequency attached by ClinVar (database versions not stated): ExAC 0.00001.
gnomAD v4.1: 3 of 1,614,158 alleles (0.00019%); highest among the groups gnomAD compares: Non-Finnish European, 0.00025%; no homozygotes.

Submission:

Labcorp Genetics (formerly Invitae), Labcorp
Classification: Uncertain significance for Peroxisome biogenesis disorder 3A (Zellweger). Last evaluated: 2022-04-12. Review status: criteria provided, single submitter. Criteria: Invitae Variant Classification Sherloc (09022015). Collection method: clinical testing. Allele origin: germline.
Comment: In summary, the available evidence is currently insufficient to determine the role of this variant in disease. Therefore, it has been classified as a Variant of Uncertain Significance. Algorithms developed to predict the effect of missense changes on protein structure and function (SIFT, PolyPhen-2, Align-GVGD) all suggest that this variant is likely to be tolerated. This variant has not been reported in the literature in individuals affected with PEX12-related conditions. This variant is present in population databases (rs761590834, gnomAD 0.0009%). This sequence change replaces leucine, which is neutral and non-polar, with valine, which is neutral and non-polar, at codon 296 of the PEX12 protein (p.Leu296Val).